The following is an entry in ClinVar:

ClinVar aggregate classification (germline): Likely benign. Review status: criteria provided, multiple submitters, no conflicts (2 of 4 stars). 2 submissions from 2 submitters: Likely benign (2). Last evaluated 2025-07-21.

Conditions:
Primary dilated cardiomyopathy (DCM). Also called: Dilated Cardiomyopathy. Identifiers: Orphanet 217604, MedGen C0007193, MeSH D002311, MONDO:0005021, HP:0001644. Inheritance: Various modes of inheritance.
Cardiovascular phenotype. Identifiers: MedGen CN230736.

gnomAD v4.1: 3 of 1,614,120 alleles (0.00019%); highest among the groups gnomAD compares: East Asian, 0.0067%; no homozygotes.

Submissions (2):

Ambry Genetics
Classification: Likely benign for Cardiovascular phenotype. Last evaluated: 2025-07-21. Review status: criteria provided, single submitter. Criteria: Ambry Variant Classification Scheme 2023. Collection method: clinical testing. Allele origin: germline.

All of Us Research Program, National Institutes of Health
Classification: Likely benign for Primary dilated cardiomyopathy. Last evaluated: 2024-08-13. Review status: criteria provided, single submitter. Criteria: ACMG Guidelines, 2015. Collection method: clinical testing. Allele origin: germline. Inheritance: Autosomal dominant inheritance. Observed: 1 variant allele, 1 heterozygote.
Comment: This study involves interpretation of variants in research participants for the purpose of population health screening. Participant phenotype was not available at the time of variant classification. Additional details can be found in publication PMID: 35346344, PMCID: PMC8962531

NM_170707.4(LMNA):c.565C>A (p.Arg189=)

Gene: LMNA (lamin A/C; plus strand). Cytogenetic location: 1q22.
Variant type: single nucleotide variant.
Coding change: c.565C>A on transcript NM_170707.4 (MANE Select); coding-DNA position 565, C replaced by A.
Protein change: p.Arg189=; no amino-acid change (arginine 189 retained).
Molecular consequence: synonymous variant. On other transcripts: 5 prime UTR variant (4).
Genome position (GRCh38, 1-based): chr1:156,134,454, C>A. VCF-style: chr1-156134454-C-A. GRCh37 (hg19) VCF-style: chr1-156104245-C-A.
Other names: c.7C>A, p.Arg3= (NM_001406996.1, NM_001406997.1, NM_001407002.1 and 4 more transcripts); c.229C>A, p.Arg77= (NM_001406998.1, NM_001257374.3, NM_001406989.1); c.-100C>A (NM_001406999.1, NM_001407000.1, NM_001407001.1 and 1 more transcripts); c.565C>A, p.Arg189= (NM_005572.4, NM_170708.4, NM_001282625.2 and 6 more transcripts); c.322C>A, p.Arg108= (NM_001282624.2, NM_001406986.1, NM_001406987.1); c.268C>A, p.Arg90= (NM_001406988.1).
Identifiers: ClinVar variation 3387004 (VCV003387004.2).